The following is an entry in ClinVar:

NM_000059.4(BRCA2):c.4141A>G (p.Lys1381Glu)

Gene: BRCA2 (BRCA2 DNA repair associated; plus strand). Cytogenetic location: 13q13.1.
Variant type: single nucleotide variant.
Coding change: c.4141A>G on transcript NM_000059.4 (MANE Select); coding-DNA position 4141, A replaced by G.
Protein change: p.Lys1381Glu; replaces lysine 1381 with glutamic acid.
Molecular consequence: missense variant. On other transcripts: non-coding transcript variant (1), intron variant (2).
Genome position (GRCh38, 1-based): chr13:32,338,496, A>G. VCF-style: chr13-32338496-A-G. GRCh37 (hg19) VCF-style: chr13-32912633-A-G.
Other names: c.4141A>G, p.Lys1381Glu (NM_001406719.1, NM_001406720.1); c.1909+5109A>G (NM_001406721.1); c.425-6062A>G (NM_001406722.1); short protein forms K1381E.
Identifiers: ClinVar variation 2728329 (VCV002728329.4), dbSNP rs2137503301, ClinGen allele CA387779415.
Genomic context (GRCh38, chr13:32,338,496, plus strand): 5'-CAGCACAACATATGTCTTAAATTATCTGGCCAGTTTATGAAGGAGGGAAACACTCAGATT[A>G]AAGAAGATTTGTCAGATTTAACTTTTTTGGAAGTTGCGAAAGCTCAAGAAGCATGTCATG-3'
Protein context (NP_000050.3, residues 1371-1391): QFMKEGNTQI[Lys1381Glu]EDLSDLTFLE

ClinVar aggregate classification (germline): Uncertain significance. Review status: criteria provided, multiple submitters, no conflicts (2 of 4 stars). 2 submissions from 2 submitters: Uncertain significance (2). Last evaluated 2025-04-02.

Conditions:
Hereditary cancer-predisposing syndrome. Also called: Hereditary Cancer Syndrome; Tumor predisposition; Neoplastic Syndromes, Hereditary; Hereditary neoplastic syndrome. Identifiers: Orphanet 140162, MedGen C0027672, MeSH D009386, MONDO:0015356.
Hereditary breast ovarian cancer syndrome. Also called: Hereditary breast and ovarian cancer syndrome (HBOC); Hereditary breast and/or ovarian cancer syndrome; Hereditary breast and ovarian cancer; Hereditary breast and ovarian cancer syndrome; Breast and ovarian cancer; BRCA1- and BRCA2-Associated Hereditary Breast and Ovarian Cancer. Identifiers: Orphanet 145, MedGen C0677776, MeSH D061325, MONDO:0003582. Disease mechanism: loss of function.

Allele frequency attached by ClinVar (database versions not stated): gnomAD exomes below 0.00001.
gnomAD v4.1: 1 of 1,609,254 alleles (0.000062%); highest among the groups gnomAD compares: Non-Finnish European, 0.000085%; no homozygotes.

Submissions (2):

Ambry Genetics
Classification: Uncertain significance for Hereditary cancer-predisposing syndrome. Last evaluated: 2025-04-02. Review status: criteria provided, single submitter. Criteria: Ambry Variant Classification Scheme 2023. Collection method: clinical testing. Allele origin: germline.
Comment: The p.K1381E variant (also known as c.4141A>G), located in coding exon 10 of the BRCA2 gene, results from an A to G substitution at nucleotide position 4141. The lysine at codon 1381 is replaced by glutamic acid, an amino acid with similar properties. This amino acid position is well conserved in available vertebrate species. In addition, this alteration is predicted to be tolerated by in silico analysis. Based on the available evidence, the clinical significance of this variant remains unclear.

Labcorp Genetics (formerly Invitae), Labcorp
Classification: Uncertain significance for Hereditary breast ovarian cancer syndrome. Last evaluated: 2023-06-25. Review status: criteria provided, single submitter. Criteria: Invitae Variant Classification Sherloc (09022015). Collection method: clinical testing. Allele origin: germline.
Comment: Advanced modeling of protein sequence and biophysical properties (such as structural, functional, and spatial information, amino acid conservation, physicochemical variation, residue mobility, and thermodynamic stability) performed at Invitae indicates that this missense variant is not expected to disrupt BRCA2 protein function. In summary, the available evidence is currently insufficient to determine the role of this variant in disease. Therefore, it has been classified as a Variant of Uncertain Significance. This variant has not been reported in the literature in individuals affected with BRCA2-related conditions. This variant is not present in population databases (gnomAD no frequency). This sequence change replaces lysine, which is basic and polar, with glutamic acid, which is acidic and polar, at codon 1381 of the BRCA2 protein (p.Lys1381Glu).